The following is an entry in ClinVar:

NM_006030.4(CACNA2D2):c.2429A>G (p.Asn810Ser)

Genes: CACNA2D2 (calcium voltage-gated channel auxiliary subunit alpha2delta 2; minus strand), LOC101928965 (uncharacterized LOC101928965; plus strand), LOC127898564 (CYB561D2-LOC101928965; plus strand). Cytogenetic location: 3p21.31.
Variant type: single nucleotide variant.
Coding change: c.2429A>G on transcript NM_006030.4 (MANE Select); coding-DNA position 2429, A replaced by G.
Protein change: p.Asn810Ser; replaces asparagine 810 with serine.
Molecular consequence: missense variant.
Genome position (GRCh38, 1-based): chr3:50,367,082, T>C on the plus strand (A>G on the coding strand, the complement: CACNA2D2 is on the minus strand). VCF-style: chr3-50367082-T-C. GRCh37 (hg19) VCF-style: chr3-50404513-T-C.
Other names: c.2429A>G, p.Asn810Ser (NM_001005505.3); c.2450A>G, p.Asn817Ser (NM_001174051.3); c.2222A>G, p.Asn741Ser (NM_001291101.1); c.2450A>G (NM_001174051.1); short protein forms N810S, N817S, N741S.
Identifiers: ClinVar variation 579988 (VCV000579988.9), dbSNP rs367921195, ClinGen allele CA2418477.

ClinVar aggregate classification (germline): Uncertain significance. Review status: criteria provided, multiple submitters, no conflicts (2 of 4 stars). 2 submissions from 2 submitters: Uncertain significance (2). Last evaluated 2024-12-02.

Conditions:
Inborn genetic diseases. Identifiers: MedGen C0950123, MeSH D030342.
Developmental and epileptic encephalopathy. Identifiers: MedGen C5779964, MONDO:0100620.

Allele frequency attached by ClinVar (database versions not stated): gnomAD exomes 0.00001 and 0.00002; ExAC 0.00003; gnomAD 0.00003; TOPMed 0.00007; ESP Exome Variant Server 0.00008.
gnomAD v4.1: 15 of 1,613,514 alleles (0.00093%); highest among the groups gnomAD compares: Admixed American, 0.0067%; no homozygotes.

Submissions (2):

Labcorp Genetics (formerly Invitae), Labcorp
Classification: Uncertain significance for Early-infantile DEE. Last evaluated: 2024-12-02. Review status: criteria provided, single submitter. Criteria: Invitae Variant Classification Sherloc (09022015). Collection method: clinical testing. Allele origin: germline.
Comment: This sequence change replaces asparagine, which is neutral and polar, with serine, which is neutral and polar, at codon 810 of the CACNA2D2 protein (p.Asn810Ser). This variant is present in population databases (rs367921195, gnomAD 0.007%). This variant has not been reported in the literature in individuals affected with CACNA2D2-related conditions. ClinVar contains an entry for this variant (Variation ID: 579988). An algorithm developed to predict the effect of missense changes on protein structure and function (PolyPhen-2) suggests that this variant¬†is likely to be tolerated. In summary, the available evidence is currently insufficient to determine the role of this variant in disease. Therefore, it has been classified as a Variant of Uncertain Significance.

Ambry Genetics
Classification: Uncertain significance for Inborn genetic diseases. Last evaluated: 2023-07-05. Review status: criteria provided, single submitter. Criteria: Ambry Variant Classification Scheme 2023. Collection method: clinical testing. Allele origin: germline.